The following is an entry in ClinVar:

NM_001458.5(FLNC):c.725A>G (p.Asp242Gly)

Gene: FLNC (filamin C; plus strand). Cytogenetic location: 7q32.1.
Variant type: single nucleotide variant.
Coding change: c.725A>G on transcript NM_001458.5 (MANE Select); coding-DNA position 725, A replaced by G.
Protein change: p.Asp242Gly; replaces aspartic acid 242 with glycine.
Molecular consequence: missense variant.
Genome position (GRCh38, 1-based): chr7:128,837,423, A>G. VCF-style: chr7-128837423-A-G. GRCh37 (hg19) VCF-style: chr7-128477477-A-G.
Other names: c.725A>G, p.Asp242Gly (NM_001127487.2); short protein forms D242G.
Identifiers: ClinVar variation 4532060 (VCV004532060.1).

ClinVar aggregate classification (germline): Uncertain significance (1 of 4 stars; one submission).

Conditions:
Primary dilated cardiomyopathy (DCM). Also called: Dilated Cardiomyopathy. Identifiers: Orphanet 217604, MedGen C0007193, MeSH D002311, MONDO:0005021, HP:0001644. Inheritance: Various modes of inheritance.

Submission:

Victorian Clinical Genetics Services, Murdoch Childrens Research Institute
Classification: Uncertain significance for Primary dilated cardiomyopathy. Last evaluated: 2024-12-30. Review status: criteria provided, single submitter. Criteria: ACMG Guidelines, 2015. Collection method: clinical testing. Allele origin: germline. Affected: yes.
Comment: This variant is classified as VUS-3B. Evidence in support of pathogenic classification: Variant is absent from gnomAD (v2, v3 and v4); Missense variant predicted to be damaging by in silico tool(s) or highly conserved with a major amino acid change. Additional information: Variant is predicted to result in a missense amino acid change from aspartic acid to glycine; This variant is heterozygous; This gene is associated with autosomal dominant disease. Variants located throughout the gene that are predicted to result in nonsense-mediated decay (NMD) are enriched in dilated cardiomyopathy, whereas missense variants in the ROD2 domain are enriched in familial hypertrophic cardiomyopathy 26 and familial restrictive cardiomyopathy 5 (MIM#617047). Additionally, myofibrillar myopathy 5 (MIM#609524) is known to result from either missense variants in the ROD2 domain or truncating variants in the Ig-like domain 24, while missense variants in the actin-binding domain and NMD-predicted variants located in the Ig-like domain 15 and have been reported for distal myopathy 4 (MIM#614065) (PMID: 32112656); This variant has no previous evidence of pathogenicity; No published segregation evidence has been identified for this variant; No published functional evidence has been identified for this variant; No comparable missense variants have previous evidence for pathogenicity; Variant is located in the annotated calponin homology (CH) domain (DECIPHER); Loss of function and gain of function are known mechanisms of disease in this gene. Loss of function is the established mechanism of disease for variants in dilated cardiomyopathy (PMID: 32112656), familial hypertrophic cardiomyopathy 26 (MIM#617047), familial restrictive cardiomyopathy 5 (MIM#617047), familial arrhythmogenic right ventricular dysplasia (MIM#617047), and myofibrillar myopathy 5 (MIM#609524). In distal myopathy 4 (MIM#614065), NMD-predicted variants cause a loss of function, however missense variants have been shown to result in a toxic gain of function (PMID: 32112656); Inheritance information for this variant is not currently available in this individual.

Literature cited by the submitters: PubMed 32112656.